The following is an entry in ClinVar:

NM_004385.5(VCAN):c.8329A>T (p.Thr2777Ser)

Genes: VCAN (versican; plus strand), VCAN-AS1 (VCAN antisense RNA 1; minus strand). Cytogenetic location: 5q14.3.
Variant type: single nucleotide variant.
Coding change: c.8329A>T on transcript NM_004385.5 (MANE Select); coding-DNA position 8329, A replaced by T.
Protein change: p.Thr2777Ser; replaces threonine 2777 with serine.
Molecular consequence: missense variant. On other transcripts: intron variant (2).
Genome position (GRCh38, 1-based): chr5:83,541,332, A>T. VCF-style: chr5-83541332-A-T. GRCh37 (hg19) VCF-style: chr5-82837151-A-T.
Other names: c.5368A>T, p.Thr1790Ser (NM_001164097.2); c.4004-4205A>T (NM_001164098.2); c.1043-4205A>T (NM_001126336.3); short protein forms T2777S, T1790S.
Identifiers: ClinVar variation 2985177 (VCV002985177.3), dbSNP rs1290468994, ClinGen allele CA360316687.
Genomic context (GRCh38, chr5:83,541,332, plus strand): 5'-GCTGGTCCTTCTTTTCAGCCAGAATTCTCTTCAGGAGCTGAGGAGGCATTAGTAGACCAT[A>T]CTCCCTATCTAAGTATTGCTACTACCCACCTTATGGATCAGAGTGTAACAGAGGTGCCTG-3'
Protein context (NP_004376.2, residues 2767-2787): SGAEEALVDH[Thr2777Ser]PYLSIATTHL

ClinVar aggregate classification (germline): Uncertain significance (1 of 4 stars; one submission).

Allele frequency attached by ClinVar (database versions not stated): gnomAD exomes below 0.00001; TOPMed 0.00001.
gnomAD v4.1: 2 of 1,613,920 alleles (0.00012%); highest among the groups gnomAD compares: Admixed American, 0.0033%; no homozygotes.

Submission:

Labcorp Genetics (formerly Invitae), Labcorp
Classification: Uncertain significance. Last evaluated: 2023-02-23. Review status: criteria provided, single submitter. Criteria: Invitae Variant Classification Sherloc (09022015). Collection method: clinical testing. Allele origin: germline.
Comment: In summary, the available evidence is currently insufficient to determine the role of this variant in disease. Therefore, it has been classified as a Variant of Uncertain Significance. An algorithm developed to predict the effect of missense changes on protein structure and function (PolyPhen-2) suggests that this variant is likely to be tolerated. This variant has not been reported in the literature in individuals affected with VCAN-related conditions. This variant is present in population databases (no rsID available, gnomAD 0.003%). This sequence change replaces threonine, which is neutral and polar, with serine, which is neutral and polar, at codon 2777 of the VCAN protein (p.Thr2777Ser).